The following is an entry in ClinVar:

NM_001039141.3(TRIOBP):c.5518C>T (p.Arg1840Cys)

Genes: TRIOBP (TRIO and F-actin binding protein; plus strand), LOC126863145 (CDK7 strongly-dependent group 2 enhancer GRCh37_chr22:38150829-38152028; plus strand). Cytogenetic location: 22q13.1.
Variant type: single nucleotide variant.
Coding change: c.5518C>T on transcript NM_001039141.3 (MANE Select); coding-DNA position 5518, C replaced by T.
Protein change: p.Arg1840Cys; replaces arginine 1840 with cysteine.
Molecular consequence: missense variant.
Genome position (GRCh38, 1-based): chr22:37,755,131, C>T. VCF-style: chr22-37755131-C-T. GRCh37 (hg19) VCF-style: chr22-38151138-C-T.
Other names: c.379C>T, p.Arg127Cys (NM_007032.5, NM_138632.2); short protein forms R127C, R1840C.
Identifiers: ClinVar variation 1303594 (VCV001303594.4), dbSNP rs761707874, ClinGen allele CA10224726.

ClinVar aggregate classification (germline): Uncertain significance. Review status: criteria provided, multiple submitters, no conflicts (2 of 4 stars). 2 submissions from 2 submitters: Uncertain significance (2). Last evaluated 2025-04-12.

Conditions:
Inborn genetic diseases. Identifiers: MedGen C0950123, MeSH D030342.

Allele frequency attached by ClinVar (database versions not stated): ExAC 0.00001; gnomAD exomes 0.00001; TOPMed 0.00001.
gnomAD v4.1: 17 of 1,613,812 alleles (0.0011%); highest among the groups gnomAD compares: Middle Eastern, 0.016%; no homozygotes.

Submissions (2):

Ambry Genetics
Classification: Uncertain significance for Inborn genetic diseases. Last evaluated: 2025-04-12. Review status: criteria provided, single submitter. Criteria: Ambry Variant Classification Scheme 2023. Collection method: clinical testing. Allele origin: germline.

GeneDx
Classification: Uncertain significance. Last evaluated: 2024-03-21. Review status: criteria provided, single submitter. Criteria: GeneDx Variant Classification Process June 2021. Collection method: clinical testing. Allele origin: germline. Affected: yes.
Comment: In silico analysis supports that this missense variant has a deleterious effect on protein structure/function; Has not been previously published as pathogenic or benign to our knowledge; Not observed at significant frequency in large population cohorts (gnomAD)